The following is an entry in ClinVar:

NM_198075.4(LRRC56):c.728C>T (p.Pro243Leu)

Gene: LRRC56 (leucine rich repeat containing 56; plus strand). Cytogenetic location: 11p15.5.
Variant type: single nucleotide variant.
Coding change: c.728C>T on transcript NM_198075.4 (MANE Select); coding-DNA position 728, C replaced by T.
Protein change: p.Pro243Leu; replaces proline 243 with leucine.
Molecular consequence: missense variant.
Genome position (GRCh38, 1-based): chr11:551,234, C>T. VCF-style: chr11-551234-C-T. GRCh37 (hg19) VCF-style: chr11-551234-C-T.
Other names: short protein forms P243L.
Identifiers: ClinVar variation 2454431 (VCV002454431.3), dbSNP rs752363538, ClinGen allele CA216895973.

ClinVar aggregate classification (germline): Conflicting classifications of pathogenicity. Review status: criteria provided, conflicting classifications (1 of 4 stars). 2 submissions from 2 submitters: Uncertain significance (1); Likely benign (1). Last evaluated 2025-10-21.

gnomAD v4.1: 60 of 1,546,816 alleles (0.0039%); highest among the groups gnomAD compares: Non-Finnish European, 0.0043%; no homozygotes.

Submissions (2):

Labcorp Genetics (formerly Invitae), Labcorp
Classification: Uncertain significance. Last evaluated: 2025-10-21. Review status: criteria provided, single submitter. Criteria: Invitae Variant Classification Sherloc (09022015). Collection method: clinical testing. Allele origin: germline.
Comment: This sequence change replaces proline, which is neutral and non-polar, with leucine, which is neutral and non-polar, at codon 243 of the LRRC56 protein (p.Pro243Leu). This variant is present in population databases (no rsID available, gnomAD 0.009%). This variant has not been reported in the literature in individuals affected with LRRC56-related conditions. ClinVar contains an entry for this variant (Variation ID: 2454431). Invitae Evidence Modeling of protein sequence and biophysical properties (such as structural, functional, and spatial information, amino acid conservation, physicochemical variation, residue mobility, and thermodynamic stability) indicates that this missense variant is not expected to disrupt LRRC56 protein function with a negative predictive value of 80%. In summary, the available evidence is currently insufficient to determine the role of this variant in disease. Therefore, it has been classified as a Variant of Uncertain Significance.

Ambry Genetics
Classification: Likely benign. Last evaluated: 2023-02-01. Review status: criteria provided, single submitter. Criteria: Ambry Variant Classification Scheme 2023. Collection method: clinical testing. Allele origin: germline.